The following is an entry in ClinVar:

ClinVar aggregate classification (germline): Uncertain significance (1 of 4 stars; one submission).

Submission:

GeneDx
Classification: Uncertain significance. Last evaluated: 2022-06-10. Review status: criteria provided, single submitter. Criteria: GeneDx Variant Classification Process June 2021. Collection method: clinical testing. Allele origin: germline. Affected: yes.
Comment: Has not been previously published as pathogenic or benign to our knowledge; Not observed at significant frequency in large population cohorts (gnomAD); In-silico analysis is inconclusive as to whether the variant alters gene splicing. In the absence of RNA/functional studies, the actual effect of this sequence change is unknown.

NM_020774.4(MIB1):c.229+3A>T

Gene: MIB1 (MIB E3 ubiquitin protein ligase 1; plus strand). Cytogenetic location: 18q11.2.
Variant type: single nucleotide variant.
Coding change: c.229+3A>T on transcript NM_020774.4 (MANE Select); 3 bases into the intron after coding-DNA position 229, A replaced by T.
Molecular consequence: intron variant.
Genome position (GRCh38, 1-based): chr18:21,741,815, A>T. VCF-style: chr18-21741815-A-T. GRCh37 (hg19) VCF-style: chr18-19321776-A-T.
Identifiers: ClinVar variation 1803538 (VCV001803538.1), dbSNP rs368228524, ClinGen allele CA2580095460.